The following is an entry in ClinVar:

NM_024854.5(PYROXD1):c.1149A>G (p.Gly383=)

Gene: PYROXD1 (pyridine nucleotide-disulphide oxidoreductase domain 1; plus strand). Cytogenetic location: 12p12.1.
Variant type: single nucleotide variant.
Coding change: c.1149A>G on transcript NM_024854.5 (MANE Select); coding-DNA position 1149, A replaced by G.
Protein change: p.Gly383=; no amino-acid change (glycine 383 retained).
Molecular consequence: synonymous variant.
Genome position (GRCh38, 1-based): chr12:21,467,513, A>G. VCF-style: chr12-21467513-A-G. GRCh37 (hg19) VCF-style: chr12-21620447-A-G.
Other names: c.1149A>G (NM_024854.3); c.936A>G, p.Gly312= (NM_001350912.2); c.372A>G, p.Gly124= (NM_001350913.2).
Identifiers: ClinVar variation 1578735 (VCV001578735.11), dbSNP rs139539838, ClinGen allele CA6478477.

ClinVar aggregate classification (germline): Likely benign. Review status: criteria provided, multiple submitters, no conflicts (2 of 4 stars). 3 submissions from 3 submitters: Likely benign (2). 1 of the submissions does not count toward it. Last evaluated 2026-01-19.

Conditions:
PYROXD1-related disorder. Also called: PYROXD1-related condition.

Allele frequency attached by ClinVar (database versions not stated): gnomAD exomes 0.00003 and 0.00010; ExAC 0.00012; 1000 Genomes Project 0.00020; 1000 Genomes Project 30x 0.00031; ESP Exome Variant Server 0.00031; gnomAD 0.00036 and 0.00040; TOPMed 0.00047.
gnomAD v4.1: 106 of 1,611,540 alleles (0.0066%); highest among the groups gnomAD compares: African/African-American, 0.13%; no homozygotes.

Submissions (3):

Labcorp Genetics (formerly Invitae), Labcorp
Classification: Likely benign. Last evaluated: 2026-01-19. Review status: criteria provided, single submitter. Criteria: Invitae Variant Classification Sherloc (09022015). Collection method: clinical testing. Allele origin: germline.

Breakthrough Genomics
Classification: Likely benign. Review status: criteria provided, single submitter. Criteria: ACMG Guidelines, 2015. Collection method: not provided. Allele origin: germline. Inheritance: Autosomal recessive inheritance. Affected: yes.

PreventionGenetics, part of Exact Sciences
Classification: Likely benign for PYROXD1-related condition. Last evaluated: 2023-03-16. Review status: no assertion criteria provided. Collection method: clinical testing. Allele origin: germline. Not counted in ClinVar's aggregate classification.
Comment: This variant is classified as likely benign based on ACMG/AMP sequence variant interpretation guidelines (Richards et al. 2015 PMID: 25741868, with internal and published modifications).